The following is an entry in ClinVar:

ClinVar aggregate classification (germline): Uncertain significance (1 of 4 stars; one submission).

Allele frequency attached by ClinVar (database versions not stated): gnomAD exomes 0.00001 and 0.00008; gnomAD 0.00004; TOPMed 0.00004; ExAC 0.00008; 1000 Genomes Project 30x 0.00016; 1000 Genomes Project 0.00020.
gnomAD v4.1: 19 of 1,614,038 alleles (0.0012%); highest among the groups gnomAD compares: East Asian, 0.036%; no homozygotes.

Submission:

Labcorp Genetics (formerly Invitae), Labcorp
Classification: Uncertain significance. Last evaluated: 2022-09-27. Review status: criteria provided, single submitter. Criteria: Invitae Variant Classification Sherloc (09022015). Collection method: clinical testing. Allele origin: germline.
Comment: In summary, the available evidence is currently insufficient to determine the role of this variant in disease. Therefore, it has been classified as a Variant of Uncertain Significance. Advanced modeling of protein sequence and biophysical properties (such as structural, functional, and spatial information, amino acid conservation, physicochemical variation, residue mobility, and thermodynamic stability) performed at Invitae indicates that this missense variant is not expected to disrupt CDH3 protein function. ClinVar contains an entry for this variant (Variation ID: 1391452). This variant has not been reported in the literature in individuals affected with CDH3-related conditions. This variant is present in population databases (rs565326119, gnomAD 0.1%). This sequence change replaces glutamic acid, which is acidic and polar, with lysine, which is basic and polar, at codon 345 of the CDH3 protein (p.Glu345Lys).

NM_001793.6(CDH3):c.1033G>A (p.Glu345Lys)

Gene: CDH3 (cadherin 3; plus strand). Cytogenetic location: 16q22.1.
Variant type: single nucleotide variant.
Coding change: c.1033G>A on transcript NM_001793.6 (MANE Select); coding-DNA position 1033, G replaced by A.
Protein change: p.Glu345Lys; replaces glutamic acid 345 with lysine.
Molecular consequence: missense variant.
Genome position (GRCh38, 1-based): chr16:68,682,338, G>A. VCF-style: chr16-68682338-G-A. GRCh37 (hg19) VCF-style: chr16-68716241-G-A.
Other names: c.1033G>A, p.Glu345Lys (NM_001317195.3); c.868G>A, p.Glu290Lys (NM_001317196.2); short protein forms E345K, E290K.
Identifiers: ClinVar variation 1391452 (VCV001391452.6), dbSNP rs565326119, ClinGen allele CA8129236.